The following is an entry in ClinVar:

NC_000007.13:g.(?_91843186)_(91844111_?)del

Gene: KRIT1 (KRIT1 ankyrin repeat containing; minus strand). Cytogenetic location: 7q21.2.
Variant type: Deletion.
Identifiers: ClinVar variation 3245754 (VCV003245754.1).

ClinVar aggregate classification (germline): Uncertain significance (1 of 4 stars; one submission).

Conditions:
Cerebral cavernous malformation (CCM). Also called: Cerebral cavernous hemangioma (type); Cavernous Hemangioma of Brain; CAVERNOUS ANGIOMA, FAMILIAL; CAVERNOUS ANGIOMATOUS MALFORMATIONS; CEREBRAL CAPILLARY MALFORMATIONS; Cerebral cavernous malformations. Identifiers: Orphanet 221061, MedGen C2919945, MONDO:0000820, OMIM 116860, HP:0033522.

Submission:

Labcorp Genetics (formerly Invitae), Labcorp
Classification: Uncertain significance for Cerebral cavernous malformation. Last evaluated: 2023-08-25. Review status: criteria provided, single submitter. Criteria: Invitae Variant Classification Sherloc (09022015). Collection method: clinical testing. Allele origin: unknown.
Comment: In summary, the available evidence is currently insufficient to determine the role of this variant in disease. Therefore, it has been classified as a Variant of Uncertain Significance. This variant disrupts a region of the KRIT1 protein in which other variant(s) (p.Glu534Lys) have been observed in individuals with KRIT1-related conditions (Invitae). This suggests that this is a clinically significant region of the protein, and that variants that disrupt it are likely to be disease-causing. A similar copy number variant has been observed in individual(s) with cerebral cavernous malformations (Invitae). This variant is a gross deletion of the genomic region encompassing exon(s) 16-17 of the KRIT1 gene. This variant would be expected to be in-frame, preserving the integrity of the reading frame.